The following is an entry in ClinVar:

NM_000298.6(PKLR):c.1462C>T (p.Arg488Ter)

Gene: PKLR (pyruvate kinase L/R; minus strand). Cytogenetic location: 1q22.
Variant type: single nucleotide variant.
Coding change: c.1462C>T on transcript NM_000298.6 (MANE Select); coding-DNA position 1462, C replaced by T.
Protein change: p.Arg488Ter; replaces arginine 488 with a stop codon.
Molecular consequence: nonsense.
Genome position (GRCh38, 1-based): chr1:155,291,912, G>A on the plus strand (C>T on the coding strand, the complement: PKLR is on the minus strand). VCF-style: chr1-155291912-G-A. GRCh37 (hg19) VCF-style: chr1-155261703-G-A.
Other names: c.1369C>T, p.Arg457Ter (NM_181871.4); c.1462C>T (NM_000298.5); short protein forms R488*, R457*.
Identifiers: ClinVar variation 2202852 (VCV002202852.7), dbSNP rs902988637, ClinGen allele CA30900356.

ClinVar aggregate classification (germline): Pathogenic. Review status: criteria provided, multiple submitters, no conflicts (2 of 4 stars). 5 submissions from 5 submitters: Pathogenic (5). Last evaluated 2026-02-23.

Conditions:
Inborn genetic diseases. Identifiers: MedGen C0950123, MeSH D030342.
Pyruvate kinase deficiency of red cells (CNSHA2). Also called: PK DEFICIENCY; PYRUVATE KINASE DEFICIENCY OF ERYTHROCYTE; Pyruvate kinase deficiency, Amish type. Identifiers: Orphanet 766, MedGen C0340968, MONDO:0009950, OMIM 266200.

Allele frequency attached by ClinVar (database versions not stated): gnomAD exomes below 0.00001; gnomAD 0.00001; TOPMed 0.00001.
gnomAD v4.1: 5 of 1,613,420 alleles (0.00031%); highest among the groups gnomAD compares: African/African-American, 0.0027%; no homozygotes.

Submissions (5):

Ambry Genetics
Classification: Pathogenic for Inborn genetic diseases. Last evaluated: 2026-02-23. Review status: criteria provided, single submitter. Criteria: Ambry Variant Classification Scheme 2023. Collection method: clinical testing. Allele origin: germline.
Comment: The c.1462C>T (p.R488*) alteration, located in exon 10 (coding exon 10) of the PKLR gene, consists of a C to T substitution at nucleotide position 1462. This changes the amino acid from a arginine (R) to a stop codon at amino acid position 488. This variant is expected to result in loss of function by premature protein truncation or nonsense-mediated mRNA decay. Based on data from gnomAD, the T allele has an overall frequency of <0.001% (1/251196) total alleles studied. The highest observed frequency was 0.001% (1/113512) of European (non-Finnish) alleles. This variant has been identified in the homozygous state and/or in conjunction with other PKLR variant(s) in individual(s) with features consistent with PKLR-related pyruvate kinase deficiency; in at least one instance, the variants were identified in trans (Rab, 2021; Zhang, 2024). Based on the available evidence, this alteration is classified as pathogenic.

GeneDx
Classification: Pathogenic. Last evaluated: 2025-09-09. Review status: criteria provided, single submitter. Criteria: GeneDx Variant Classification Process June 2021. Collection method: clinical testing. Allele origin: germline. Affected: yes.
Comment: Identified in a patient with pyruvate kinase deficiency in published literature (PMID: 31974203); Nonsense variant predicted to result in protein truncation or nonsense mediated decay in a gene for which loss of function is a known mechanism of disease; Not observed at significant frequency in large population cohorts (gnomAD); This variant is associated with the following publications: (PMID: 25525159, 10087985, 19085939, 31974203)

3billion
Classification: Pathogenic for Pyruvate kinase deficiency of red cells. Last evaluated: 2024-07-15. Review status: criteria provided, single submitter. Criteria: ACMG Guidelines, 2015. Collection method: clinical testing. Allele origin: germline. Affected: yes.
Comment: The variant is observed at an extremely low frequency in the gnomAD v4.0.0 dataset (total allele frequency: <0.001%). Predicted Consequence/Location: Stop-gained (nonsense): predicted to result in a loss or disruption of normal protein function through nonsense-mediated decay (NMD) or protein truncation. Multiple pathogenic variants are reported downstream of the variant. The variant has been reported at least twice as pathogenic with clinical assertions and evidence for the classification (ClinVar ID: VCV002202852 /PMID: 10087985). Therefore, this variant is classified as Pathogenic according to the recommendation of ACMG/AMP guideline.

Revvity Omics, Revvity
Classification: Pathogenic. Last evaluated: 2023-11-13. Review status: criteria provided, single submitter. Criteria: ACMG Guidelines, 2015. Collection method: clinical testing. Allele origin: germline.

Labcorp Genetics (formerly Invitae), Labcorp
Classification: Pathogenic. Last evaluated: 2022-03-19. Review status: criteria provided, single submitter. Criteria: Invitae Variant Classification Sherloc (09022015). Collection method: clinical testing. Allele origin: germline.
Comment: This sequence change creates a premature translational stop signal (p.Arg488*) in the PKLR gene. It is expected to result in an absent or disrupted protein product. Loss-of-function variants in PKLR are known to be pathogenic (PMID: 15953013, 26832193). The frequency data for this variant in the population databases is considered unreliable, as metrics indicate poor data quality at this position in the gnomAD database. This premature translational stop signal has been observed in individual(s) with PKLR-related conditions (PMID: 10087985). For these reasons, this variant has been classified as Pathogenic.

Literature cited by the submitters: PubMed 31974203 (cited by Ambry Genetics); PubMed 39502218 (cited by Ambry Genetics); PubMed 10087985 (cited by 3billion and Labcorp Genetics (formerly Invitae), Labcorp); PubMed 15953013 (cited by Labcorp Genetics (formerly Invitae), Labcorp); PubMed 26832193 (cited by Labcorp Genetics (formerly Invitae), Labcorp).